The following is an entry in ClinVar:

ClinVar aggregate classification (germline): Uncertain significance. Review status: criteria provided, multiple submitters, no conflicts (2 of 4 stars). 2 submissions from 2 submitters: Uncertain significance (2). Last evaluated 2024-11-10.

Conditions:
Inborn genetic diseases. Identifiers: MedGen C0950123, MeSH D030342.
Snijders Blok-Campeau syndrome. Also called: INTELLECTUAL DEVELOPMENTAL DISORDER WITH MACROCEPHALY, SPEECH DELAY, AND DYSMORPHIC FACIES. Identifiers: Orphanet 599082, MedGen C4748701, MONDO:0032600, OMIM 618205.

Submissions (2):

Ambry Genetics
Classification: Uncertain significance for Inborn genetic diseases. Last evaluated: 2024-11-10. Review status: criteria provided, single submitter. Criteria: Ambry Variant Classification Scheme 2023. Collection method: clinical testing. Allele origin: germline.

Laboratorio de Genetica e Diagnostico Molecular, Hospital Israelita Albert Einstein
Classification: Uncertain significance for Snijders Blok-Campeau syndrome. Last evaluated: 2024-07-18. Review status: criteria provided, single submitter. Criteria: ACMG Guidelines, 2015. Collection method: clinical testing. Allele origin: germline. Affected: yes.
Comment: ACMG classification criteria: PM2 supporting, PP2 supporting, PP3 supporting

NM_001005273.3(CHD3):c.1162G>C (p.Gly388Arg)

Genes: CHD3 (chromodomain helicase DNA binding protein 3; plus strand), LOC126862484 (CDK7 strongly-dependent group 2 enhancer GRCh37_chr17:7797066-7798265; plus strand). Cytogenetic location: 17p13.1.
Variant type: single nucleotide variant.
Coding change: c.1162G>C on transcript NM_001005273.3 (MANE Select); coding-DNA position 1162, G replaced by C.
Protein change: p.Gly388Arg; replaces glycine 388 with arginine.
Molecular consequence: missense variant.
Genome position (GRCh38, 1-based): chr17:7,894,501, G>C. VCF-style: chr17-7894501-G-C. GRCh37 (hg19) VCF-style: chr17-7797819-G-C.
Other names: c.1339G>C, p.Gly447Arg (NM_001005271.3); c.1162G>C, p.Gly388Arg (NM_005852.4); short protein forms G447R, G388R.
Identifiers: ClinVar variation 3491966 (VCV003491966.2).